The following is an entry in ClinVar:

ClinVar aggregate classification (germline): Pathogenic (1 of 4 stars; one submission).

Conditions:
Hypoparathyroidism, deafness, renal disease syndrome (HDRS). Also called: HYPOPARATHYROIDISM, SENSORINEURAL DEAFNESS, AND RENAL DYSPLASIA SYNDROME. Identifiers: Orphanet 2237, MedGen C1840333, MONDO:0007797, OMIM 146255.

Submission:

Victorian Clinical Genetics Services, Murdoch Childrens Research Institute
Classification: Pathogenic for Hypoparathyroidism, deafness, renal disease syndrome. Last evaluated: 2017-09-25. Review status: criteria provided, single submitter. Criteria: ACMG Guidelines, 2015. Collection method: clinical testing. Allele origin: unknown. Affected: yes.
Comment: A heterozygous missense variant was identified, NM_001002295.1(GATA3):c.961T>A in exon 5 of the GATA3 gene.This substitution is predicted to create a major amino acid change from a cysteine to a serine at position 321, NP_001002295.1(GATA3):p.(Cys321Ser).The cysteine at this position has very high conservation (100 vertebrates, UCSC). In silico tools predict this variant to be deleterious (Polyphen, SIFT, CADD, Mutation Taster).This variant is not present in the gnomAD population database. A variant affecting the same amino acid has been previously reported in a patient with hypoparathyroidism, deafness and renal dysplasia (HDR) syndrome (Ohta, M. et al. (2011).)It is located in the C-terminal zinc finger (ZnF2) DNA-binding domain that has four cysteine residues. Functional studies have shown that disrupting this cysteine causes loss of DNA-binding (Ohta, M. et al. (2011)). Parental testing has indicated the variant is due to a de novo event.Based on current information, this variant has been classified asPATHOGENIC.NB: The GATA3 variant has been reclassified to pathogenic due to de novo status.

NM_001002295.2(GATA3):c.961T>A (p.Cys321Ser)

Gene: GATA3 (GATA binding protein 3; plus strand). Cytogenetic location: 10p14.
Variant type: single nucleotide variant.
Coding change: c.961T>A on transcript NM_001002295.2 (MANE Select); coding-DNA position 961, T replaced by A.
Protein change: p.Cys321Ser; replaces cysteine 321 with serine.
Molecular consequence: missense variant.
Genome position (GRCh38, 1-based): chr10:8,069,509, T>A. VCF-style: chr10-8069509-T-A. GRCh37 (hg19) VCF-style: chr10-8111472-T-A.
Other names: c.958T>A, p.Cys320Ser (NM_002051.3); short protein forms C320S, C321S.
Identifiers: ClinVar variation 869468 (VCV000869468.2), dbSNP rs1832898282, ClinGen allele CA375974885.